The following is an entry in ClinVar:

NM_005228.5(EGFR):c.1891C>T (p.Pro631Ser)

Gene: EGFR (epidermal growth factor receptor; plus strand). Cytogenetic location: 7p11.2.
Variant type: single nucleotide variant.
Coding change: c.1891C>T on transcript NM_005228.5 (MANE Select); coding-DNA position 1891, C replaced by T.
Protein change: p.Pro631Ser; replaces proline 631 with serine.
Molecular consequence: missense variant.
Genome position (GRCh38, 1-based): chr7:55,171,185, C>T. VCF-style: chr7-55171185-C-T. GRCh37 (hg19) VCF-style: chr7-55238878-C-T.
Other names: c.1756C>T, p.Pro586Ser (NM_001346897.2, NM_001346899.2); c.1891C>T, p.Pro631Ser (NM_001346898.2); c.1732C>T, p.Pro578Ser (NM_001346900.2); c.1090C>T, p.Pro364Ser (NM_001346941.2); short protein forms P364S, P578S, P631S, P586S.
Identifiers: ClinVar variation 950603 (VCV000950603.11), dbSNP rs552265738, ClinGen allele CA4265857.

ClinVar aggregate classification (germline): Conflicting classifications of pathogenicity. Review status: criteria provided, conflicting classifications (1 of 4 stars). 2 submissions from 2 submitters: Uncertain significance (1); Benign (1). Last evaluated 2025-11-03.

Conditions:
EGFR-related lung cancer (EGFR). Identifiers: MedGen CN130014.
Hereditary cancer-predisposing syndrome. Also called: Tumor predisposition; Hereditary neoplastic syndrome; Neoplastic Syndromes, Hereditary; Hereditary Cancer Syndrome. Identifiers: Orphanet 140162, MedGen C0027672, MeSH D009386, MONDO:0015356.

Allele frequency attached by ClinVar (database versions not stated): gnomAD below 0.00001 and 0.00003; gnomAD exomes 0.00003 and 0.00006; ExAC 0.00008; 1000 Genomes Project 0.00040; 1000 Genomes Project 30x 0.00047.
gnomAD v4.1: 43 of 1,614,168 alleles (0.0027%); highest among the groups gnomAD compares: South Asian, 0.045%; 1 homozygote.

Submissions (2):

Labcorp Genetics (formerly Invitae), Labcorp
Classification: Uncertain significance for EGFR-related lung cancer. Last evaluated: 2025-11-03. Review status: criteria provided, single submitter. Criteria: Invitae Variant Classification Sherloc (09022015). Collection method: clinical testing. Allele origin: germline.
Comment: This sequence change replaces proline, which is neutral and non-polar, with serine, which is neutral and polar, at codon 631 of the EGFR protein (p.Pro631Ser). This variant is present in population databases (rs552265738, gnomAD 0.05%). This variant has not been reported in the literature in individuals affected with EGFR-related conditions. ClinVar contains an entry for this variant (Variation ID: 950603). Invitae Evidence Modeling of protein sequence and biophysical properties (such as structural, functional, and spatial information, amino acid conservation, physicochemical variation, residue mobility, and thermodynamic stability) indicates that this missense variant is not expected to disrupt EGFR protein function with a negative predictive value of 80%. In summary, the available evidence is currently insufficient to determine the role of this variant in disease. Therefore, it has been classified as a Variant of Uncertain Significance.

Ambry Genetics
Classification: Benign for Hereditary cancer-predisposing syndrome. Last evaluated: 2024-10-28. Review status: criteria provided, single submitter. Criteria: Ambry Variant Classification Scheme 2023. Collection method: clinical testing. Allele origin: germline.